The following is an entry in ClinVar:

NM_001136193.2(FASTKD2):c.1435G>T (p.Val479Leu)

Gene: FASTKD2 (FAST kinase domains 2; plus strand). Cytogenetic location: 2q33.3.
Variant type: single nucleotide variant.
Coding change: c.1435G>T on transcript NM_001136193.2 (MANE Select); coding-DNA position 1435, G replaced by T.
Protein change: p.Val479Leu; replaces valine 479 with leucine.
Molecular consequence: missense variant.
Genome position (GRCh38, 1-based): chr2:206,786,740, G>T. VCF-style: chr2-206786740-G-T. GRCh37 (hg19) VCF-style: chr2-207651464-G-T.
Other names: c.1435G>T, p.Val479Leu (NM_001136194.2, NM_014929.4); short protein forms V479L.
Identifiers: ClinVar variation 377003 (VCV000377003.16), dbSNP rs145043229, ClinGen allele CA2075175.

ClinVar aggregate classification (germline): Conflicting classifications of pathogenicity. Review status: criteria provided, conflicting classifications (1 of 4 stars). 4 submissions from 4 submitters: Uncertain significance (1); Benign (1); Likely benign (2). Last evaluated 2026-01-27.

Conditions:
Mitochondrial complex IV deficiency, nuclear type 1 (MC4DN1). Also called: COX DEFICIENCY; Mitochondrial complex IV deficiency; Complex 4 mitochondrial respiratory chain deficiency; Deficiency of mitochondrial respiratory chain complex4; Complex IV deficiency. Identifiers: MedGen C5435656, MONDO:0700250, OMIM 220110. Disease mechanism: loss of function.

Allele frequency attached by ClinVar (database versions not stated): ESP Exome Variant Server 0.00215; TOPMed 0.00229; 1000 Genomes Project 0.00240; 1000 Genomes Project 30x 0.00297.

Submissions (4):

Labcorp Genetics (formerly Invitae), Labcorp
Classification: Likely benign. Last evaluated: 2026-01-27. Review status: criteria provided, single submitter. Criteria: Invitae Variant Classification Sherloc (09022015). Collection method: clinical testing. Allele origin: germline.

Illumina Laboratory Services, Illumina
Classification: Uncertain significance for Mitochondrial complex IV deficiency, nuclear type 1. Last evaluated: 2018-01-13. Review status: criteria provided, single submitter. Criteria: ICSL Variant Classification Criteria 13 December 2019. Collection method: clinical testing. Allele origin: germline.

Center for Pediatric Genomic Medicine, Children's Mercy Hospital and Clinics
Classification: Likely benign. Last evaluated: 2017-01-02. Review status: criteria provided, single submitter. Criteria: ACMG Guidelines, 2015. Collection method: clinical testing. Allele origin: germline.
ClinVar note: Converted during submission from Likely Benign to Likely benign.

GeneDx
Classification: Benign. Last evaluated: 2015-09-11. Review status: criteria provided, single submitter. Criteria: GeneDx Variant Classification (06012015). Collection method: clinical testing. Allele origin: germline. Affected: yes.
Comment: This variant is considered likely benign or benign based on one or more of the following criteria: it is a conservative change, it occurs at a poorly conserved position in the protein, it is predicted to be benign by multiple in silico algorithms, and/or has population frequency not consistent with disease.